The following is an entry in ClinVar:

NM_024923.4(NUP210):c.2491G>C (p.Asp831His)

Gene: NUP210 (nucleoporin 210; minus strand). Cytogenetic location: 3p25.1.
Variant type: single nucleotide variant.
Coding change: c.2491G>C on transcript NM_024923.4 (MANE Select); coding-DNA position 2491, G replaced by C.
Protein change: p.Asp831His; replaces aspartic acid 831 with histidine.
Molecular consequence: missense variant.
Genome position (GRCh38, 1-based): chr3:13,353,945, C>G on the plus strand (G>C on the coding strand, the complement: NUP210 is on the minus strand). VCF-style: chr3-13353945-C-G. GRCh37 (hg19) VCF-style: chr3-13395445-C-G.
Other names: short protein forms D831H.
Identifiers: ClinVar variation 2653573 (VCV002653573.24), dbSNP rs147428803, ClinGen allele CA2263859.
Genomic context (GRCh38, chr3:13,353,945, plus strand): 5'-CCTGGGCCATCAGGCTTGTGCCCAGCTCACCGTGCAGCTTCTTTTGGCCACTCTCATCGT[C>G]CTGGGACACCAGCTGCATGGGCAGCTCAGGCTCGATGCTGGCCAACACTGGCCTGGTGGA-3'
Protein context (NP_079199.2, residues 821-841): PELPMQLVSQ[Asp831His]DESGQKKLHG

ClinVar aggregate classification (germline): Likely benign (1 of 4 stars; one submission).

Allele frequency attached by ClinVar (database versions not stated): gnomAD exomes 0.00035; TOPMed 0.00040; gnomAD 0.00042; ESP Exome Variant Server 0.00062; ExAC 0.00066.

Submission:

CeGaT Center for Human Genetics Tuebingen
Classification: Likely benign. Last evaluated: 2023-07-01. Review status: criteria provided, single submitter. Criteria: CeGaT Center For Human Genetics Tuebingen Variant Classification Criteria Version 2. Collection method: clinical testing. Allele origin: germline. Affected: yes. Observed: 1 variant allele.
Comment: NUP210: BP4